The following is an entry in ClinVar:

NM_000077.5(CDKN2A):c.251A>T (p.Asp84Val)

Gene: CDKN2A (cyclin dependent kinase inhibitor 2A; minus strand). Cytogenetic location: 9p21.3.
Variant type: single nucleotide variant.
Coding change: c.251A>T on transcript NM_000077.5; coding-DNA position 251, A replaced by T.
Protein change: p.Asp84Val; replaces aspartic acid 84 with valine.
Molecular consequence: missense variant (on NM_000077.6). On other transcripts: synonymous variant (1), 3 prime UTR variant (1).
Genome position (GRCh38, 1-based): chr9:21,971,108, T>A on the plus strand (A>T on the coding strand, the complement: CDKN2A is on the minus strand). VCF-style: chr9-21971108-T-A. GRCh37 (hg19) VCF-style: chr9-21971107-T-A.
Other names: c.251A>T, p.Asp84Val (NM_000077.6, NM_001195132.2); c.98A>T, p.Asp33Val (NM_001363763.2); c.294A>T, p.Arg98= (NM_058195.4); c.*174A>T (NM_058197.5); short protein forms D84V, D33V.
Identifiers: ClinVar variation 2136746 (VCV002136746.4), dbSNP rs587782792, ClinGen allele CA16622118.

ClinVar aggregate classification (germline): Likely pathogenic (1 of 4 stars; one submission).

Conditions:
Familial melanoma. Also called: Hereditary melanoma; Hereditary cutaneous melanoma. Identifiers: Orphanet 618, MedGen C1512419, MONDO:0018961.

Submission:

Labcorp Genetics (formerly Invitae), Labcorp
Classification: Likely pathogenic for Familial melanoma. Last evaluated: 2022-04-24. Review status: criteria provided, single submitter. Criteria: Invitae Variant Classification Sherloc (09022015). Collection method: clinical testing. Allele origin: germline.
Comment: In summary, the currently available evidence indicates that the variant is pathogenic, but additional data are needed to prove that conclusively. Therefore, this variant has been classified as Likely Pathogenic. Experimental studies have shown that this missense change affects CDKN2A (p16INK4a) function (PMID: 10491434, 21462282). Algorithms developed to predict the effect of missense changes on protein structure and function (SIFT, PolyPhen-2, Align-GVGD) all suggest that this variant is likely to be disruptive. This missense change has been observed in individual(s) with melanoma and/or pancreatic cancer (PMID: 26775776, 28060055). It has also been observed to segregate with disease in related individuals. This variant is not present in population databases (gnomAD no frequency). This sequence change replaces aspartic acid, which is acidic and polar, with valine, which is neutral and non-polar, at codon 84 of the CDKN2A (p16INK4a) protein (p.Asp84Val).

Literature cited by the submitters: PubMed 10491434; PubMed 21462282; PubMed 26775776; PubMed 28060055.